The following is an entry in ClinVar:

NM_001267550.2(TTN):c.76765A>G (p.Thr25589Ala)

Genes: TTN (titin; minus strand), TTN-AS1 (TTN antisense RNA 1; plus strand). Cytogenetic location: 2q31.2.
Variant type: single nucleotide variant.
Coding change: c.76765A>G on transcript NM_001267550.2 (MANE Select); coding-DNA position 76765, A replaced by G.
Protein change: p.Thr25589Ala; replaces threonine 25589 with alanine.
Molecular consequence: missense variant.
Genome position (GRCh38, 1-based): chr2:178,569,367, T>C on the plus strand (A>G on the coding strand, the complement: TTN is on the minus strand). VCF-style: chr2-178569367-T-C. GRCh37 (hg19) VCF-style: chr2-179434094-T-C.
Other names: p.T23948A:ACA>GCA; c.71842A>G, p.Thr23948Ala (NM_001256850.1); c.49570A>G, p.Thr16524Ala (NM_003319.4); c.69061A>G, p.Thr23021Ala (NM_133378.4); c.49945A>G, p.Thr16649Ala (NM_133432.3); c.50146A>G, p.Thr16716Ala (NM_133437.4); short protein forms T23948A, T25589A, T23021A, T16524A, T16716A, T16649A.
Identifiers: ClinVar variation 202870 (VCV000202870.2), dbSNP rs794729499, ClinGen allele CA310542.

ClinVar aggregate classification (germline): Uncertain significance (1 of 4 stars; one submission).

Allele frequency attached by ClinVar (database versions not stated): gnomAD 0.00001; TOPMed 0.00001 and below 0.00001; gnomAD exomes below 0.00001.
gnomAD v4.1: 6 of 1,613,328 alleles (0.00037%); highest among the groups gnomAD compares: African/African-American, 0.0053%; no homozygotes.

Submission:

GeneDx
Classification: Uncertain significance. Last evaluated: 2014-02-20. Review status: criteria provided, single submitter. Criteria: GeneDx Variant Classification (06012015). Collection method: clinical testing. Allele origin: germline. Affected: yes.
Comment: Missense variants in the TTN gene are considered 'unclassified' if they are not previously reported in the literature and do not have >1% frequency in the population to be considered a polymorphism. Research indicates that truncating mutations in the TTN gene are expected to account for approximately 25% of familial and 18% of sporadic idiopathic DCM; however, truncating variants in the TTN gene have been reported in approximately 3% of reported control alleles. There has been little investigation into non-truncating variants. (Herman D et al. Truncations of titin causing dilated cardiomyopathy. N Eng J Med 366:619-628, 2012) The variant is found in DCM-CRDM panel(s).